The following is an entry in ClinVar:

NM_005359.6(SMAD4):c.855C>T (p.Asn285=)

Gene: SMAD4 (SMAD family member 4; plus strand). Cytogenetic location: 18q21.2.
Variant type: single nucleotide variant.
Coding change: c.855C>T on transcript NM_005359.6 (MANE Select); coding-DNA position 855, C replaced by T.
Protein change: p.Asn285=; no amino-acid change (asparagine 285 retained).
Molecular consequence: synonymous variant.
Genome position (GRCh38, 1-based): chr18:51,058,407, C>T. VCF-style: chr18-51058407-C-T. GRCh37 (hg19) VCF-style: chr18-48584777-C-T.
Identifiers: ClinVar variation 484790 (VCV000484790.24), dbSNP rs1187796771, ClinGen allele CA503994011.

ClinVar aggregate classification (germline): Benign/Likely benign. Review status: criteria provided, multiple submitters, no conflicts (2 of 4 stars). 8 submissions from 8 submitters: Benign (1); Likely benign (7). Last evaluated 2025-12-30.

Conditions:
Hereditary cancer-predisposing syndrome. Also called: Hereditary neoplastic syndrome; Tumor predisposition; Neoplastic Syndromes, Hereditary; Hereditary Cancer Syndrome. Identifiers: Orphanet 140162, MedGen C0027672, MeSH D009386, MONDO:0015356.
Familial thoracic aortic aneurysm and aortic dissection (TAAD). Also called: Thoracic aortic aneurysms and dissections. Identifiers: Orphanet 91387, MedGen C4707243, MONDO:0019625.
Juvenile polyposis syndrome (JPS). Identifiers: Orphanet 2929, MedGen C0345893, MONDO:0017380, OMIM 174900.
Juvenile polyposis/hereditary hemorrhagic telangiectasia syndrome (JPHT). Also called: Juvenile Polyposis Syndrome / Hereditary Hemorrhagic Telangiectasia (JPS/HHT); JP/HHT SYNDROME; JUVENILE POLYPOSIS WITH HEREDITARY HEMORRHAGIC TELANGIECTASIA; POLYPOSIS, GENERALIZED JUVENILE, WITH PULMONARY ARTERIOVENOUS MALFORMATION; TELANGIECTASIA, HEREDITARY HEMORRHAGIC, WITH JUVENILE POLYPOSIS COLI. Identifiers: Orphanet 2929, MedGen C1832942, MONDO:0008278, OMIM 175050.

Allele frequency attached by ClinVar (database versions not stated): gnomAD exomes below 0.00001 and 0.00001; TOPMed below 0.00001; gnomAD 0.00001.
gnomAD v4.1: 8 of 1,613,778 alleles (0.0005%); highest among the groups gnomAD compares: East Asian, 0.0022%; no homozygotes.

Submissions (8):

Labcorp Genetics (formerly Invitae), Labcorp
Classification: Likely benign for Juvenile polyposis syndrome. Last evaluated: 2025-12-30. Review status: criteria provided, single submitter. Criteria: Invitae Variant Classification Sherloc (09022015). Collection method: clinical testing. Allele origin: germline.

Myriad Genetics, Inc.
Classification: Benign for Juvenile polyposis/hereditary hemorrhagic telangiectasia syndrome. Last evaluated: 2025-03-20. Review status: criteria provided, single submitter. Criteria: Myriad Autosomal Dominant, Autosomal Recessive and X-Linked Classification Criteria (2023). Collection method: clinical testing. Allele origin: unknown.
Comment: This variant is considered benign. This variant is a silent/synonymous amino acid change and it is not expected to impact splicing.

Center for Genomic Medicine, Rigshospitalet, Copenhagen University Hospital
Classification: Likely benign. Last evaluated: 2025-03-04. Review status: criteria provided, single submitter. Criteria: ACMG Guidelines, 2015. Collection method: clinical testing. Allele origin: germline.

Quest Diagnostics Nichols Institute San Juan Capistrano
Classification: Likely benign. Last evaluated: 2023-04-20. Review status: criteria provided, single submitter. Criteria: Quest Diagnostics criteria. Collection method: clinical testing. Allele origin: unknown.

All of Us Research Program, National Institutes of Health
Classification: Likely benign for Juvenile polyposis/hereditary hemorrhagic telangiectasia syndrome. Last evaluated: 2022-11-30. Review status: criteria provided, single submitter. Criteria: ACMG Guidelines, 2015. Collection method: clinical testing. Allele origin: germline. Inheritance: Autosomal dominant inheritance. Observed: 1 variant allele, 1 heterozygote.
Comment: This study involves interpretation of variants in research participants for the purpose of population health screening. Participant phenotype was not available at the time of variant classification. Additional details can be found in publication PMID: 35346344, PMCID: PMC8962531

Color Diagnostics, LLC DBA Color Health
Classification: Likely benign for Hereditary cancer-predisposing syndrome. Last evaluated: 2018-05-15. Review status: criteria provided, single submitter. Criteria: ACMG Guidelines, 2015. Collection method: clinical testing. Allele origin: germline.

GeneDx
Classification: Likely benign. Last evaluated: 2018-02-20. Review status: criteria provided, single submitter. Criteria: GeneDx Variant Classification (06012015). Collection method: clinical testing. Allele origin: germline. Affected: yes.
Comment: This variant is considered likely benign or benign based on one or more of the following criteria: it is a conservative change, it occurs at a poorly conserved position in the protein, it is predicted to be benign by multiple in silico algorithms, and/or has population frequency not consistent with disease.

Ambry Genetics
Classification: Likely benign for Hereditary cancer-predisposing syndrome; Familial thoracic aortic aneurysm and aortic dissection. Last evaluated: 2015-04-21. Review status: criteria provided, single submitter. Criteria: Ambry Variant Classification Scheme 2023. Collection method: clinical testing. Allele origin: germline.